The following is an entry in ClinVar:

ClinVar aggregate classification (germline): Uncertain significance (1 of 4 stars; one submission).

Conditions:
Developmental and epileptic encephalopathy, 42 (DEE42A). Also called: DEVELOPMENTAL AND EPILEPTIC ENCEPHALOPATHY 42A; EPILEPTIC ENCEPHALOPATHY, EARLY INFANTILE, 42A; Epileptic encephalopathy, early infantile, 42. Identifiers: MedGen C4310716, MONDO:0014917, OMIM 617106.
Episodic ataxia type 2 (EA2). Also called: ACETAZOLAMIDE-RESPONSIVE HEREDITARY PAROXYSMAL CEREBELLAR ATAXIA; EPISODIC ATAXIA, NYSTAGMUS-ASSOCIATED; ATAXIA, EPISODIC, WITH NYSTAGMUS; ATAXIA, FAMILIAL PAROXYSMAL; CEREBELLAR ATAXIA, PAROXYSMAL, ACETAZOLAMIDE-RESPONSIVE; CEREBELLOPATHY, HEREDITARY PAROXYSMAL. Identifiers: Orphanet 97, MedGen C1720416, MONDO:0007163, OMIM 108500.

Submission:

Labcorp Genetics (formerly Invitae), Labcorp
Classification: Uncertain significance for Developmental and epileptic encephalopathy, 42; Episodic ataxia type 2. Last evaluated: 2020-09-25. Review status: criteria provided, single submitter. Criteria: Invitae Variant Classification Sherloc (09022015). Collection method: clinical testing. Allele origin: germline.
Comment: In summary, the available evidence is currently insufficient to determine the role of this variant in disease. Therefore, it has been classified as a Variant of Uncertain Significance. This sequence change replaces glycine with arginine at codon 2130 of the CACNA1A protein (p.Gly2130Arg). The glycine residue is weakly conserved and there is a moderate physicochemical difference between glycine and arginine. The frequency data for this variant in the population databases is considered unreliable, as metrics indicate insufficient coverage at this position in the ExAC database. Advanced modeling of protein sequence and biophysical properties (such as structural, functional, and spatial information, amino acid conservation, physicochemical variation, residue mobility, and thermodynamic stability) performed at Invitae indicates that this missense variant is not expected to disrupt CACNA1A protein function. This variant has not been reported in the literature in individuals with CACNA1A-related conditions.

NM_001127222.2(CACNA1A):c.6385G>C (p.Gly2129Arg)

Gene: CACNA1A (calcium voltage-gated channel subunit alpha1 A; minus strand). Cytogenetic location: 19p13.13.
Variant type: single nucleotide variant.
Coding change: c.6385G>C on transcript NM_001127222.2 (MANE Select); coding-DNA position 6385, G replaced by C.
Protein change: p.Gly2129Arg; replaces glycine 2129 with arginine.
Molecular consequence: missense variant.
Genome position (GRCh38, 1-based): chr19:13,209,453, C>G on the plus strand (G>C on the coding strand, the complement: CACNA1A is on the minus strand). VCF-style: chr19-13209453-C-G. GRCh37 (hg19) VCF-style: chr19-13320267-C-G.
Other names: c.6403G>C, p.Gly2135Arg (NM_000068.4, NM_023035.3); c.6388G>C, p.Gly2130Arg (NM_001127221.2); c.6394G>C, p.Gly2132Arg (NM_001174080.2); short protein forms G2129R, G2130R, G2132R, G2135R.
Identifiers: ClinVar variation 1019305 (VCV001019305.9), dbSNP rs1369133711, ClinGen allele CA404331047.